The following is an entry in ClinVar:

ClinVar aggregate classification (germline): Uncertain significance (1 of 4 stars; one submission).

Conditions:
Intellectual developmental disorder with language impairment and early-onset DOPA-responsive dystonia-parkinsonism (IDLDP). Identifiers: Orphanet 660017, MedGen C5677001, MONDO:0859257, OMIM 619911.

Submission:

Neuberg Centre For Genomic Medicine, NCGM
Classification: Uncertain significance for Intellectual developmental disorder with language impairment and early-onset DOPA-responsive dystonia-parkinsonism. Last evaluated: 2023-05-20. Review status: criteria provided, single submitter. Criteria: ACMG Guidelines, 2015. Collection method: clinical testing. Allele origin: germline. Inheritance: Autosomal dominant inheritance. Affected: yes.
Comment: The observed missense c.1715G>C(p.Arg572Pro) variant in NR4A2 gene has not been reported previously as a pathogenic variant nor as a benign variant, to our knowledge. This variant is absent in gnomAD Exomes. The amino acid Arg at position 572 is changed to a Pro changing protein sequence and it might alter its composition and physico-chemical properties. The amino acid change p.Arg572Pro in NR4A2 is predicted as conserved by GERP++ and PhyloP across 100 vertebrates. Multiple lines of computational evidence (Polyphen - Possibly Damaging, SIFT - Damaging, and MutationTaster - Disease causing) predict a damaging effect on protein structure and function for this variant. For these reasons, this variant has been classified as Uncertain Significance.

NM_006186.4(NR4A2):c.1715G>C (p.Arg572Pro)

Gene: NR4A2 (nuclear receptor subfamily 4 group A member 2; minus strand). Cytogenetic location: 2q24.1.
Variant type: single nucleotide variant.
Coding change: c.1715G>C on transcript NM_006186.4 (MANE Select); coding-DNA position 1715, G replaced by C.
Protein change: p.Arg572Pro; replaces arginine 572 with proline.
Molecular consequence: missense variant.
Genome position (GRCh38, 1-based): chr2:156,325,826, C>G on the plus strand (G>C on the coding strand, the complement: NR4A2 is on the minus strand). VCF-style: chr2-156325826-C-G. GRCh37 (hg19) VCF-style: chr2-157182338-C-G.
Other names: c.1526G>C, p.Arg509Pro (NM_173173.3); short protein forms R509P, R572P.
Identifiers: ClinVar variation 3367023 (VCV003367023.1).